The following is an entry in ClinVar:

NM_001365999.1(SZT2):c.7210+3A>C

Gene: SZT2 (SZT2 subunit of KICSTOR complex; plus strand). Cytogenetic location: 1p34.2.
Variant type: single nucleotide variant.
Coding change: c.7210+3A>C on transcript NM_001365999.1 (MANE Select); 3 bases into the intron after coding-DNA position 7210, A replaced by C.
Molecular consequence: intron variant.
Genome position (GRCh38, 1-based): chr1:43,440,051, A>C. VCF-style: chr1-43440051-A-C. GRCh37 (hg19) VCF-style: chr1-43905722-A-C.
Other names: c.7039+3A>C (NM_015284.4).
Identifiers: ClinVar variation 4881667 (VCV004881667.2).

ClinVar aggregate classification (germline): Uncertain significance (1 of 4 stars; one submission).

Conditions:
Developmental and epileptic encephalopathy, 18 (DEE18). Also called: Early infantile epileptic encephalopathy 18. Identifiers: Orphanet 369894, MedGen C3809624, MONDO:0014201, OMIM 615476.

Submission:

Dasa
Classification: Uncertain significance for Developmental and epileptic encephalopathy, 18. Last evaluated: 2026-02-02. Review status: criteria provided, single submitter. Criteria: DASA Assertion Criteria. Collection method: clinical testing. Allele origin: germline.
Comment: NM_001365999.1(SZT2):c.7210+3A>C is a splice-region variant. This variant affects a splice-region context with prior evidence supporting clinical relevance. This variant is rare in population databases. Computational prediction algorithms are consistent with a deleterious effect. The currently available literature and clinical evidence are not sufficient to establish a definitive association between this variant and the reported condition. Therefore, this variant is classified as a variant of uncertain significance.